The following is an entry in ClinVar:

ClinVar aggregate classification (germline): Uncertain significance (1 of 4 stars; one submission).

Conditions:
MHC class I deficiency. Identifiers: Orphanet 34592, MedGen C6024714, MONDO:0011476.

Submission:

Labcorp Genetics (formerly Invitae), Labcorp
Classification: Uncertain significance for MHC class I deficiency 1. Last evaluated: 2025-01-06. Review status: criteria provided, single submitter. Criteria: Invitae Variant Classification Sherloc (09022015). Collection method: clinical testing. Allele origin: germline.
Comment: This sequence change replaces proline, which is neutral and non-polar, with histidine, which is basic and polar, at codon 149 of the TAPBP protein (p.Pro149His). This variant is present in population databases (rs759758358, gnomAD 0.002%). This variant has not been reported in the literature in individuals affected with TAPBP-related conditions. An algorithm developed to predict the effect of missense changes on protein structure and function (PolyPhen-2) suggests that this variant is likely to be disruptive. In summary, the available evidence is currently insufficient to determine the role of this variant in disease. Therefore, it has been classified as a Variant of Uncertain Significance.

NM_003190.5(TAPBP):c.446C>A (p.Pro149His)

Gene: TAPBP (TAP binding protein; minus strand). Cytogenetic location: 6p21.32.
Variant type: single nucleotide variant.
Coding change: c.446C>A on transcript NM_003190.5 (MANE Select); coding-DNA position 446, C replaced by A.
Protein change: p.Pro149His; replaces proline 149 with histidine.
Molecular consequence: missense variant. On other transcripts: intron variant (1).
Genome position (GRCh38, 1-based): chr6:33,313,240, G>T on the plus strand (C>A on the coding strand, the complement: TAPBP is on the minus strand). VCF-style: chr6-33313240-G-T. GRCh37 (hg19) VCF-style: chr6-33281017-G-T.
Other names: c.446C>A, p.Pro149His (NM_001410875.1, NM_172208.3); c.208+454C>A (NM_172209.3); short protein forms P149H.
Identifiers: ClinVar variation 3714549 (VCV003714549.2).